The following is an entry in ClinVar:

NM_001365999.1(SZT2):c.9154C>T (p.Arg3052Cys)

Gene: SZT2 (SZT2 subunit of KICSTOR complex; plus strand). Cytogenetic location: 1p34.2.
Variant type: single nucleotide variant.
Coding change: c.9154C>T on transcript NM_001365999.1 (MANE Select); coding-DNA position 9154, C replaced by T.
Protein change: p.Arg3052Cys; replaces arginine 3052 with cysteine.
Molecular consequence: missense variant.
Genome position (GRCh38, 1-based): chr1:43,447,036, C>T. VCF-style: chr1-43447036-C-T. GRCh37 (hg19) VCF-style: chr1-43912707-C-T.
Other names: c.8983C>T, p.Arg2995Cys (NM_015284.4); short protein forms R3052C, R2995C.
Identifiers: ClinVar variation 840061 (VCV000840061.6), dbSNP rs1040151857, ClinGen allele CA21652096.

ClinVar aggregate classification (germline): Uncertain significance. Review status: criteria provided, multiple submitters, no conflicts (2 of 4 stars). 3 submissions from 3 submitters: Uncertain significance (3). Last evaluated 2024-01-03.

Conditions:
Inborn genetic diseases. Identifiers: MedGen C0950123, MeSH D030342.

Allele frequency attached by ClinVar (database versions not stated): TOPMed below 0.00001; gnomAD 0.00001; gnomAD exomes 0.00001.

Submissions (3):

Blueprint Genetics
Classification: Uncertain significance. Last evaluated: 2024-01-03. Review status: criteria provided, single submitter. Criteria: ACMG Guidelines, 2015. Collection method: clinical testing. Allele origin: germline.

Ambry Genetics
Classification: Uncertain significance for Inborn genetic diseases. Last evaluated: 2023-12-19. Review status: criteria provided, single submitter. Criteria: Ambry Variant Classification Scheme 2023. Collection method: clinical testing. Allele origin: germline.

Labcorp Genetics (formerly Invitae), Labcorp
Classification: Uncertain significance. Last evaluated: 2022-07-12. Review status: criteria provided, single submitter. Criteria: Invitae Variant Classification Sherloc (09022015). Collection method: clinical testing. Allele origin: germline.
Comment: This sequence change replaces arginine, which is basic and polar, with cysteine, which is neutral and slightly polar, at codon 2995 of the SZT2 protein (p.Arg2995Cys). This variant is not present in population databases (gnomAD no frequency). This variant has not been reported in the literature in individuals affected with SZT2-related conditions. ClinVar contains an entry for this variant (Variation ID: 840061). Algorithms developed to predict the effect of missense changes on protein structure and function (SIFT, PolyPhen-2, Align-GVGD) all suggest that this variant is likely to be disruptive. In summary, the available evidence is currently insufficient to determine the role of this variant in disease. Therefore, it has been classified as a Variant of Uncertain Significance.